The following is an entry in ClinVar:

ClinVar aggregate classification (germline): Likely benign (0 of 4 stars; one submission).

Conditions:
TOP6BL-related disorder. Also called: TOP6BL-related condition.

Submission:

PreventionGenetics, part of Exact Sciences
Classification: Likely benign for TOP6BL-related condition. Last evaluated: 2020-03-23. Review status: no assertion criteria provided. Collection method: clinical testing. Allele origin: germline.
Comment: This variant is classified as likely benign based on ACMG/AMP sequence variant interpretation guidelines (Richards et al. 2015 PMID: 25741868, with internal and published modifications).

NM_001302084.2(TOP6BL):c.-127CGG[4]

Genes: FRA11A (fragile site, folic acid type, rare, fra(11)(q13.3); plus strand), TOP6BL (TOP6B like initiator of meiotic double strand breaks; plus strand), LOC130006135 (ATAC-STARR-seq lymphoblastoid silent region 3601; plus strand). Cytogenetic location: 11q13.2.
Variant type: Microsatellite.
Coding change: c.-127CGG[4] on transcript NM_001302084.2 (MANE Select); four copies in a row of the 3-base unit CGG starting at c.-127; the reference has eight copies in a row; four copies, 12 bases deleted.
Molecular consequence: 5 prime UTR variant.
Genome position (GRCh38, 1-based): chr11:66,744,834-66,744,845, CGGCGGCGGCGG deleted; deleting any 12 consecutive bases within chr11:66,744,820-66,744,845 gives the same sequence; the position shown is the placement nearest the transcript's 3' end. VCF-style (leftmost placement, unchanged base first): chr11-66744819-GGGCGGCGGCGGC-G. GRCh37 (hg19) VCF-style: chr11-66512290-GGGCGGCGGCGGC-G.
Other names: c.-68_-66CGG[4] (NM_024650.4); c.92_103del12 (NM_024650.3).
Identifiers: ClinVar variation 3035172 (VCV003035172.2), dbSNP rs567536854, ClinGen allele CA475339341.